The following is an entry in ClinVar:

ClinVar aggregate classification (germline): Benign. Review status: criteria provided, single submitter (1 of 4 stars). 2 submissions from 2 submitters: Benign (1). 1 of the submissions does not count toward it. Last evaluated 2025-12-24.

Conditions:
VPS13C-related disorder. Also called: VPS13C-related condition.

Allele frequency attached by ClinVar (database versions not stated): gnomAD exomes 0.00168; ExAC 0.00200; 1000 Genomes Project 0.00579; gnomAD 0.00595 and 0.00640; TOPMed 0.00665; 1000 Genomes Project 30x 0.00671; ESP Exome Variant Server 0.00761.
gnomAD v4.1: 1,913 of 1,606,412 alleles (0.12%); highest among the groups gnomAD compares: African/African-American, 2.2%; 20 homozygotes.

Submissions (2):

Labcorp Genetics (formerly Invitae), Labcorp
Classification: Benign. Last evaluated: 2025-12-24. Review status: criteria provided, single submitter. Criteria: Invitae Variant Classification Sherloc (09022015). Collection method: clinical testing. Allele origin: germline.

PreventionGenetics, part of Exact Sciences
Classification: Benign for VPS13C-related condition. Last evaluated: 2020-02-04. Review status: no assertion criteria provided. Collection method: clinical testing. Allele origin: germline. Not counted in ClinVar's aggregate classification.
Comment: This variant is classified as benign based on ACMG/AMP sequence variant interpretation guidelines (Richards et al. 2015 PMID: 25741868, with internal and published modifications).

NM_020821.3(VPS13C):c.1625C>T (p.Thr542Met)

Gene: VPS13C (vacuolar protein sorting 13 homolog C; minus strand). Cytogenetic location: 15q22.2.
Variant type: single nucleotide variant.
Coding change: c.1625C>T on transcript NM_020821.3 (MANE Select); coding-DNA position 1625, C replaced by T.
Protein change: p.Thr542Met; replaces threonine 542 with methionine.
Molecular consequence: missense variant.
Genome position (GRCh38, 1-based): chr15:61,984,953, G>A on the plus strand (C>T on the coding strand, the complement: VPS13C is on the minus strand). VCF-style: chr15-61984953-G-A. GRCh37 (hg19) VCF-style: chr15-62277152-G-A.
Other names: c.1625C>T, p.Thr542Met (NM_001018088.3); c.1496C>T, p.Thr499Met (NM_017684.5, NM_018080.4); short protein forms T542M, T499M.
Identifiers: ClinVar variation 781293 (VCV000781293.11), dbSNP rs35942317, ClinGen allele CA7596978.